The following is an entry in ClinVar:

NM_001378026.1(NBEAL1):c.2574T>G (p.Leu858=)

Gene: NBEAL1 (neurobeachin like 1; plus strand). Cytogenetic location: 2q33.2.
Variant type: single nucleotide variant.
Coding change: c.2574T>G on transcript NM_001378026.1 (MANE Select); coding-DNA position 2574, T replaced by G.
Protein change: p.Leu858=; no amino-acid change (leucine 858 retained).
Molecular consequence: synonymous variant.
Genome position (GRCh38, 1-based): chr2:203,116,052, T>G. VCF-style: chr2-203116052-T-G. GRCh37 (hg19) VCF-style: chr2-203980775-T-G.
Other names: c.2487T>G, p.Leu829= (NM_001114132.2).
Identifiers: ClinVar variation 2651828 (VCV002651828.24), dbSNP rs757481460, ClinGen allele CA2063626.

ClinVar aggregate classification (germline): Likely benign (1 of 4 stars; one submission).

Allele frequency attached by ClinVar (database versions not stated): gnomAD exomes 0.00003; ExAC 0.00013; gnomAD 0.00022; TOPMed 0.00025.
gnomAD v4.1: 69 of 1,553,334 alleles (0.0044%); highest among the groups gnomAD compares: African/African-American, 0.091%; no homozygotes.

Submission:

CeGaT Center for Human Genetics Tuebingen
Classification: Likely benign. Last evaluated: 2022-09-01. Review status: criteria provided, single submitter. Criteria: CeGaT Center For Human Genetics Tuebingen Variant Classification Criteria Version 2. Collection method: clinical testing. Allele origin: germline. Affected: yes. Observed: 1 variant allele.
Comment: NBEAL1: BP4, BP7